The following is an entry in ClinVar:

NM_177438.3(DICER1):c.100C>T (p.Gln34Ter)

Gene: DICER1 (dicer 1, ribonuclease III; minus strand). Cytogenetic location: 14q32.13.
Variant type: single nucleotide variant.
Coding change: c.100C>T on transcript NM_177438.3 (MANE Select); coding-DNA position 100, C replaced by T.
Protein change: p.Gln34Ter; replaces glutamine 34 with a stop codon.
Molecular consequence: nonsense.
Genome position (GRCh38, 1-based): chr14:95,133,359, G>A on the plus strand (C>T on the coding strand, the complement: DICER1 is on the minus strand). VCF-style: chr14-95133359-G-A. GRCh37 (hg19) VCF-style: chr14-95599696-G-A.
Other names: c.100C>T, p.Gln34Ter (NM_001195573.1, NM_001271282.3, NM_001291628.2 and 1 more transcripts); short protein forms Q34*.
Identifiers: ClinVar variation 543565 (VCV000543565.9), dbSNP rs1555376548, ClinGen allele CA390890474.

ClinVar aggregate classification (germline): Pathogenic. Review status: criteria provided, multiple submitters, no conflicts (2 of 4 stars). 2 submissions from 2 submitters: Pathogenic (2). Last evaluated 2025-09-02.

Conditions:
Hereditary cancer-predisposing syndrome. Also called: Neoplastic Syndromes, Hereditary; Tumor predisposition; Hereditary Cancer Syndrome; Hereditary neoplastic syndrome. Identifiers: Orphanet 140162, MedGen C0027672, MeSH D009386, MONDO:0015356.
DICER1-related tumor predisposition. Also called: DICER1-related pleuropulmonary blastoma cancer predisposition syndrome; DICER1 syndrome. Identifiers: Orphanet 284343, MedGen C3839822, MONDO:0100216.

Allele frequency attached by ClinVar (database versions not stated): gnomAD exomes below 0.00001.
gnomAD v4.1: 1 of 1,614,104 alleles (0.000062%); highest among the groups gnomAD compares: East Asian, 0.0022%; no homozygotes.

Submissions (2):

Ambry Genetics
Classification: Pathogenic for Hereditary cancer-predisposing syndrome. Last evaluated: 2025-09-02. Review status: criteria provided, single submitter. Criteria: Ambry Variant Classification Scheme 2023. Collection method: clinical testing. Allele origin: germline.
Comment: The p.Q34* pathogenic mutation (also known as c.100C>T), located in coding exon 1 of the DICER1 gene, results from a C to T substitution at nucleotide position 100. This changes the amino acid from a glutamine to a stop codon within coding exon 1. This variant is considered to be rare based on population cohorts in the Genome Aggregation Database (gnomAD). This alteration is expected to result in loss of function by premature protein truncation or nonsense-mediated mRNA decay. As such, this alteration is interpreted as a disease-causing mutation.

Labcorp Genetics (formerly Invitae), Labcorp
Classification: Pathogenic for DICER1-related tumor predisposition. Last evaluated: 2023-07-31. Review status: criteria provided, single submitter. Criteria: Invitae Variant Classification Sherloc (09022015). Collection method: clinical testing. Allele origin: germline.
Comment: For these reasons, this variant has been classified as Pathogenic. ClinVar contains an entry for this variant (Variation ID: 543565). This variant has not been reported in the literature in individuals affected with DICER1-related conditions. This variant is not present in population databases (gnomAD no frequency). This sequence change creates a premature translational stop signal (p.Gln34*) in the DICER1 gene. It is expected to result in an absent or disrupted protein product. Loss-of-function variants in DICER1 are known to be pathogenic (PMID: 19556464, 21266384).

Literature cited by the submitters: PubMed 19556464 (cited by Labcorp Genetics (formerly Invitae), Labcorp); PubMed 21266384 (cited by Labcorp Genetics (formerly Invitae), Labcorp).